The following is an entry in ClinVar:

ClinVar aggregate classification (germline): Conflicting classifications of pathogenicity. Review status: criteria provided, conflicting classifications (1 of 4 stars). 2 submissions from 2 submitters: Pathogenic (1); Uncertain significance (1). Last evaluated 2024-04-17.

Allele frequency attached by ClinVar (database versions not stated): ExAC 0.00002; gnomAD exomes 0.00002; gnomAD 0.00003; TOPMed 0.00003; ESP Exome Variant Server 0.00008.
gnomAD v4.1: 41 of 1,613,168 alleles (0.0025%); highest among the groups gnomAD compares: Admixed American, 0.025%; no homozygotes.

Submissions (2):

Labcorp Genetics (formerly Invitae), Labcorp
Classification: Pathogenic. Last evaluated: 2024-04-17. Review status: criteria provided, single submitter. Criteria: Invitae Variant Classification Sherloc (09022015). Collection method: clinical testing. Allele origin: germline.
Comment: This sequence change creates a premature translational stop signal (p.Arg3480*) in the VPS13C gene. It is expected to result in an absent or disrupted protein product. Loss-of-function variants in VPS13C are known to be pathogenic (PMID: 26942284, 34875562). This variant is present in population databases (rs374500860, gnomAD 0.03%). This premature translational stop signal has been observed in individual(s) with clinical features of Parkinson disease (Invitae). ClinVar contains an entry for this variant (Variation ID: 2170028). For these reasons, this variant has been classified as Pathogenic.

GeneDx
Classification: Uncertain significance. Last evaluated: 2022-12-07. Review status: criteria provided, single submitter. Criteria: GeneDx Variant Classification Process June 2021. Collection method: clinical testing. Allele origin: germline. Affected: yes.
Comment: Identified in a patient with non-obstructive azoospermia and variants reported in additional genes in the published literature (Zhang et al., 2022); Nonsense variant predicted to result in protein truncation or nonsense mediated decay in a gene for which loss of function is a known mechanism of disease; This variant is associated with the following publications: (PMID: 35495142)

Literature cited by the submitters: PubMed 26942284 (cited by Labcorp Genetics (formerly Invitae), Labcorp); PubMed 34875562 (cited by Labcorp Genetics (formerly Invitae), Labcorp).

NM_020821.3(VPS13C):c.10438C>T (p.Arg3480Ter)

Gene: VPS13C (vacuolar protein sorting 13 homolog C; minus strand). Cytogenetic location: 15q22.2.
Variant type: single nucleotide variant.
Coding change: c.10438C>T on transcript NM_020821.3 (MANE Select); coding-DNA position 10438, C replaced by T.
Protein change: p.Arg3480Ter; replaces arginine 3480 with a stop codon.
Molecular consequence: nonsense.
Genome position (GRCh38, 1-based): chr15:61,873,386, G>A on the plus strand (C>T on the coding strand, the complement: VPS13C is on the minus strand). VCF-style: chr15-61873386-G-A. GRCh37 (hg19) VCF-style: chr15-62165585-G-A.
Other names: c.10438C>T, p.Arg3480Ter (NM_001018088.3); c.10309C>T, p.Arg3437Ter (NM_017684.5, NM_018080.4); c.10438C>T (NM_020821.2); short protein forms R3437*, R3480*.
Identifiers: ClinVar variation 2170028 (VCV002170028.5), dbSNP rs374500860, ClinGen allele CA7594316.
Genomic context (GRCh38, chr15:61,873,386, plus strand): 5'-GCTGATATTCCTTGTCCATTGTAATTGCTGCCAAACCTTTCCCAACAGAACCGGTGATTC[G>A]AGATACAACTCCTGCTGCACCACCTATCAAAGACAAGGGATTAATTTCTAGAATATACAA-3'